The following is an entry in ClinVar:

ClinVar aggregate classification (germline): Uncertain significance. Review status: criteria provided, multiple submitters, no conflicts (2 of 4 stars). 3 submissions from 3 submitters: Uncertain significance (3). Last evaluated 2023-12-21.

Allele frequency attached by ClinVar (database versions not stated): gnomAD 0.00001; gnomAD exomes 0.00001 and 0.00002; TOPMed 0.00001; ExAC 0.00003.
gnomAD v4.1: 11 of 1,593,636 alleles (0.00069%); highest among the groups gnomAD compares: African/African-American, 0.004%; no homozygotes.

Submissions (3):

Labcorp Genetics (formerly Invitae), Labcorp
Classification: Uncertain significance. Last evaluated: 2023-12-21. Review status: criteria provided, single submitter. Criteria: Invitae Variant Classification Sherloc (09022015). Collection method: clinical testing. Allele origin: germline.
Comment: This sequence change replaces arginine, which is basic and polar, with cysteine, which is neutral and slightly polar, at codon 654 of the SZT2 protein (p.Arg654Cys). The frequency data for this variant in the population databases is considered unreliable, as metrics indicate poor data quality at this position in the gnomAD database. This variant has not been reported in the literature in individuals affected with SZT2-related conditions. ClinVar contains an entry for this variant (Variation ID: 1440059). Advanced modeling of protein sequence and biophysical properties (such as structural, functional, and spatial information, amino acid conservation, physicochemical variation, residue mobility, and thermodynamic stability) performed at Invitae indicates that this missense variant is expected to disrupt SZT2 protein function with a positive predictive value of 80%. In summary, the available evidence is currently insufficient to determine the role of this variant in disease. Therefore, it has been classified as a Variant of Uncertain Significance.

Blueprint Genetics
Classification: Uncertain significance. Last evaluated: 2022-11-14. Review status: criteria provided, single submitter. Criteria: ACMG Guidelines, 2015. Collection method: clinical testing. Allele origin: germline.

Breakthrough Genomics
Classification: Uncertain significance. Review status: criteria provided, single submitter. Criteria: ACMG Guidelines, 2015. Collection method: not provided. Allele origin: germline. Inheritance: Autosomal recessive inheritance. Affected: yes.

NM_001365999.1(SZT2):c.1960C>T (p.Arg654Cys)

Gene: SZT2 (SZT2 subunit of KICSTOR complex; plus strand). Cytogenetic location: 1p34.2.
Variant type: single nucleotide variant.
Coding change: c.1960C>T on transcript NM_001365999.1 (MANE Select); coding-DNA position 1960, C replaced by T.
Protein change: p.Arg654Cys; replaces arginine 654 with cysteine.
Molecular consequence: missense variant.
Genome position (GRCh38, 1-based): chr1:43,422,806, C>T. VCF-style: chr1-43422806-C-T. GRCh37 (hg19) VCF-style: chr1-43888477-C-T.
Other names: c.1960C>T, p.Arg654Cys (NM_015284.4); short protein forms R654C.
Identifiers: ClinVar variation 1440059 (VCV001440059.10), dbSNP rs776463612, ClinGen allele CA808573.